The following is an entry in ClinVar:

NM_000059.4(BRCA2):c.9537_9544del (p.Leu3180fs)

Gene: BRCA2 (BRCA2 DNA repair associated; plus strand). Cytogenetic location: 13q13.1.
Variant type: Deletion.
Coding change: c.9537_9544del on transcript NM_000059.4 (MANE Select); coding-DNA positions 9537 to 9544, 8 bases deleted (GCTTATGC; older notation c.9537_9544delGCTTATGC).
Protein change: p.Leu3180fs; shifts the reading frame from leucine 3180.
Molecular consequence: frameshift variant.
Genome position (GRCh38, 1-based): chr13:32,396,933-32,396,940, GCTTATGC deleted. VCF-style (leftmost placement, unchanged base first): chr13-32396932-AGCTTATGC-A. GRCh37 (hg19) VCF-style: chr13-32971069-AGCTTATGC-A.
Other names: 9765del8; short protein forms L3180fs.
Identifiers: ClinVar variation 267165 (VCV000267165.5), dbSNP rs886040844, ClinGen allele CA10589570.

ClinVar aggregate classification (germline): Pathogenic. Review status: reviewed by expert panel (3 of 4 stars). 2 submissions from 2 submitters: Pathogenic (1). 1 of the submissions does not count toward it. Last evaluated 2016-10-18.

Conditions:
Breast-ovarian cancer, familial, susceptibility to, 2 (BROVCA2). Also called: BRCA2 Hereditary Breast and Ovarian Cancer. Identifiers: Orphanet 145, MedGen C2675520, MONDO:0012933, OMIM 612555. Disease mechanism: loss of function.

Submissions (2):

Evidence-based Network for the Interpretation of Germline Mutant Alleles (ENIGMA)
Classification: Pathogenic for Breast-ovarian cancer, familial, susceptibility to, 2. Last evaluated: 2016-10-18. Review status: reviewed by expert panel. Criteria: ENIGMA BRCA1/2 Classification Criteria (2015). Collection method: curation. Allele origin: germline.
Comment: Variant allele predicted to encode a truncated non-functional protein.

Consortium of Investigators of Modifiers of BRCA1/2 (CIMBA), c/o University of Cambridge
Classification: Pathogenic for Breast-ovarian cancer, familial, susceptibility to, 2. Last evaluated: 2015-10-02. Review status: criteria provided, single submitter. Criteria: CIMBA Mutation Classification guidelines May 2016. Collection method: clinical testing. Allele origin: germline. Not counted in ClinVar's aggregate classification.